The following is an entry in ClinVar:

ClinVar aggregate classification (germline): Uncertain significance. Review status: criteria provided, multiple submitters, no conflicts (2 of 4 stars). 2 submissions from 2 submitters: Uncertain significance (2). Last evaluated 2024-11-10.

Conditions:
Joubert syndrome. Also called: CEREBELLOPARENCHYMAL DISORDER IV; JOUBERT-BOLTSHAUSER SYNDROME; Familial aplasia of the vermis. Identifiers: Orphanet 475, MedGen C5979921, MONDO:0018772.
Orofaciodigital syndrome I (OFD1). Also called: OFDS I; Papillon-Leage and Psaume Syndrome; Oral-Facial-Digital Syndrome Type I. Identifiers: Orphanet 2750, MedGen C1510460, MONDO:0010702, OMIM 311200.
Simpson-Golabi-Behmel syndrome type 2. Identifiers: Orphanet 79022, MedGen C1846175, MONDO:0010265, OMIM 300209.
Joubert syndrome 10 (JBTS10). Identifiers: Orphanet 2754, MedGen C2749019, MONDO:0010431, OMIM 300804.
Retinitis pigmentosa 23 (RP23). Identifiers: Orphanet 791, MedGen C1419610, MONDO:0010320, OMIM 300424.

gnomAD v4.1: 5 of 1,209,182 alleles (0.00041%); highest among the groups gnomAD compares: South Asian, 0.0053%; no homozygotes.

Submissions (2):

Labcorp Genetics (formerly Invitae), Labcorp
Classification: Uncertain significance for Orofaciodigital syndrome I; Joubert syndrome. Last evaluated: 2024-11-10. Review status: criteria provided, single submitter. Criteria: Invitae Variant Classification Sherloc (09022015). Collection method: clinical testing. Allele origin: germline.
Comment: This sequence change replaces histidine, which is basic and polar, with aspartic acid, which is acidic and polar, at codon 46 of the OFD1 protein (p.His46Asp). This variant is present in population databases (no rsID available, gnomAD 0.005%). This variant has not been reported in the literature in individuals affected with OFD1-related conditions. Invitae Evidence Modeling of protein sequence and biophysical properties (such as structural, functional, and spatial information, amino acid conservation, physicochemical variation, residue mobility, and thermodynamic stability) has been performed for this missense variant. However, the output from this modeling did not meet the statistical confidence thresholds required to predict the impact of this variant on OFD1 protein function. In summary, the available evidence is currently insufficient to determine the role of this variant in disease. Therefore, it has been classified as a Variant of Uncertain Significance.

Fulgent Genetics
Classification: Uncertain significance for Simpson-Golabi-Behmel syndrome type 2; Retinitis pigmentosa 23; Joubert syndrome 10; Orofaciodigital syndrome I. Last evaluated: 2024-02-04. Review status: criteria provided, single submitter. Criteria: ACMG Guidelines, 2015. Collection method: clinical testing. Allele origin: germline.

NM_003611.3(OFD1):c.136C>G (p.His46Asp)

Gene: OFD1 (OFD1 centriole and centriolar satellite protein; plus strand). Cytogenetic location: Xp22.2.
Variant type: single nucleotide variant.
Coding change: c.136C>G on transcript NM_003611.3 (MANE Select); coding-DNA position 136, C replaced by G.
Protein change: p.His46Asp; replaces histidine 46 with aspartic acid.
Molecular consequence: missense variant. On other transcripts: 5 prime UTR variant (1).
Genome position (GRCh38, 1-based): chrX:13,736,502, C>G. VCF-style: chrX-13736502-C-G. GRCh37 (hg19) VCF-style: chrX-13754621-C-G.
Other names: c.136C>G, p.His46Asp (NM_001330209.2); c.-410C>G (NM_001330210.2); short protein forms H46D.
Identifiers: ClinVar variation 3598059 (VCV003598059.3).